The following is an entry in ClinVar:

ClinVar aggregate classification (germline): Benign/Likely benign. Review status: criteria provided, multiple submitters, no conflicts (2 of 4 stars). 2 submissions from 2 submitters: Benign (1); Likely benign (1). Last evaluated 2025-12-02.

Conditions:
CTDP1-related disorder. Also called: CTDP1-related condition.

Allele frequency attached by ClinVar (database versions not stated): gnomAD exomes 0.00005; 1000 Genomes Project 30x 0.00047; gnomAD 0.00056; TOPMed 0.00073.
gnomAD v4.1: 145 of 1,385,346 alleles (0.01%); highest among the groups gnomAD compares: African/African-American, 0.2%; no homozygotes.

Submissions (2):

Labcorp Genetics (formerly Invitae), Labcorp
Classification: Benign. Last evaluated: 2025-12-02. Review status: criteria provided, single submitter. Criteria: Invitae Variant Classification Sherloc (09022015). Collection method: clinical testing. Allele origin: germline.

PreventionGenetics, part of Exact Sciences
Classification: Likely benign for CTDP1-related condition. Last evaluated: 2025-02-18. Review status: criteria provided, single submitter. Criteria: ACMG Guidelines, 2015. Collection method: clinical testing. Allele origin: germline.
Comment: This variant is classified as likely benign based on ACMG/AMP sequence variant interpretation guidelines (Richards et al. 2015 PMID: 25741868, with internal and published modifications).

NM_004715.5(CTDP1):c.225C>T (p.Arg75=)

Gene: CTDP1 (CTD phosphatase 1; plus strand). Cytogenetic location: 18q23.
Variant type: single nucleotide variant.
Coding change: c.225C>T on transcript NM_004715.5 (MANE Select); coding-DNA position 225, C replaced by T.
Protein change: p.Arg75=; no amino-acid change (arginine 75 retained).
Molecular consequence: synonymous variant.
Genome position (GRCh38, 1-based): chr18:79,680,172, C>T. VCF-style: chr18-79680172-C-T. GRCh37 (hg19) VCF-style: chr18-77440172-C-T.
Other names: c.225C>T, p.Arg75= (NM_001318511.2, NM_048368.4).
Identifiers: ClinVar variation 2084777 (VCV002084777.5), dbSNP rs775939813, ClinGen allele CA9009899.
Genomic context (GRCh38, chr18:79,680,172, plus strand): 5'-CGCCTCCGCGCAGTCCTCCGGGGCCTCTCAGTCCCGTGTAGCCTCCGGGGGCTGCGTGCG[C>T]CCCGCGCGGCCGGAACGCAGGCTGAGGTCGGAGCGCGCGGGCGTGGTGCGGGAGCTGTGC-3'
Protein context (NP_004706.3, residues 65-85): QSRVASGGCV[Arg75=]PARPERRLRS